The following is an entry in ClinVar:

ClinVar aggregate classification (germline): Uncertain significance (1 of 4 stars; one submission).

gnomAD v4.1: 1 of 1,591,978 alleles (0.000063%); highest among the groups gnomAD compares: Non-Finnish European, 0.000085%; no homozygotes.

Submission:

Labcorp Genetics (formerly Invitae), Labcorp
Classification: Uncertain significance. Last evaluated: 2025-02-19. Review status: criteria provided, single submitter. Criteria: Invitae Variant Classification Sherloc (09022015). Collection method: clinical testing. Allele origin: germline.
Comment: This sequence change replaces asparagine, which is neutral and polar, with lysine, which is basic and polar, at codon 705 of the MAGEL2 protein (p.Asn705Lys). This variant is not present in population databases (gnomAD no frequency). This variant has not been reported in the literature in individuals affected with MAGEL2-related conditions. Invitae Evidence Modeling of protein sequence and biophysical properties (such as structural, functional, and spatial information, amino acid conservation, physicochemical variation, residue mobility, and thermodynamic stability) has been performed for this missense variant. However, the output from this modeling did not meet the statistical confidence thresholds required to predict the impact of this variant on MAGEL2 protein function. In summary, the available evidence is currently insufficient to determine the role of this variant in disease. Therefore, it has been classified as a Variant of Uncertain Significance.

NM_019066.5(MAGEL2):c.2115T>G (p.Asn705Lys)

Gene: MAGEL2 (MAGE family member L2; minus strand). Cytogenetic location: 15q11.2.
Variant type: single nucleotide variant.
Coding change: c.2115T>G on transcript NM_019066.5 (MANE Select); coding-DNA position 2115, T replaced by G.
Protein change: p.Asn705Lys; replaces asparagine 705 with lysine.
Molecular consequence: missense variant.
Genome position (GRCh38, 1-based): chr15:23,645,628, A>C on the plus strand (T>G on the coding strand, the complement: MAGEL2 is on the minus strand). VCF-style: chr15-23645628-A-C. GRCh37 (hg19) VCF-style: chr15-23890775-A-C.
Other names: short protein forms N705K.
Identifiers: ClinVar variation 4797399 (VCV004797399.1).
Genomic context (GRCh38, chr15:23,645,628, plus strand): 5'-AGAAGAGGCCCTGCATTCTCCTGATGGAGTCATCAATGATTTAGCGGAGCCCAGGGGAAA[A>C]TTTGCCGCTGCTACCGGGGGTCCGGGCTGGGCCTGCAAGACTGCAGGCGGTGCCTGCCAG-3'
Protein context (NP_061939.3, residues 695-715): AQPGPPVAAA[Asn705Lys]FPLGSAKSLM